The following is an entry in ClinVar:

NM_002439.5(MSH3):c.1173+5G>A

Gene: MSH3 (mutS homolog 3; plus strand). Cytogenetic location: 5q14.1.
Variant type: single nucleotide variant.
Coding change: c.1173+5G>A on transcript NM_002439.5 (MANE Select); 5 bases into the intron after coding-DNA position 1173, G replaced by A.
Molecular consequence: intron variant.
Genome position (GRCh38, 1-based): chr5:80,675,133, G>A. VCF-style: chr5-80675133-G-A. GRCh37 (hg19) VCF-style: chr5-79970952-G-A.
Identifiers: ClinVar variation 1692655 (VCV001692655.8), dbSNP rs761726585, ClinGen allele CA3327810.
Genomic context (GRCh38, chr5:80,675,133, plus strand): 5'-AAAATAAGGAAAATGTTAGGGACAAAAAAAAGGGCAACATTTTTATTGGCATTGTGGTAA[G>A]TACTTTGCAGGTGAGGAACAAATGTTAGATGTTCATGGTATCTCTAAATATGATCTATCA-3'

ClinVar aggregate classification (germline): Uncertain significance. Review status: criteria provided, multiple submitters, no conflicts (2 of 4 stars). 3 submissions from 3 submitters: Uncertain significance (3). Last evaluated 2024-03-25.

Conditions:
Hereditary cancer-predisposing syndrome. Also called: Hereditary Cancer Syndrome; Hereditary neoplastic syndrome; Neoplastic Syndromes, Hereditary; Tumor predisposition. Identifiers: Orphanet 140162, MedGen C0027672, MeSH D009386, MONDO:0015356.

Allele frequency attached by ClinVar (database versions not stated): gnomAD exomes below 0.00001; ExAC 0.00001.
gnomAD v4.1: 1 of 1,613,692 alleles (0.000062%); highest among the groups gnomAD compares: Non-Finnish European, 0.000085%; no homozygotes.

Submissions (3):

Ambry Genetics
Classification: Uncertain significance for Hereditary cancer-predisposing syndrome. Last evaluated: 2024-03-25. Review status: criteria provided, single submitter. Criteria: Ambry Variant Classification Scheme 2023. Collection method: clinical testing. Allele origin: germline.
Comment: The c.1173+5G>A intronic variant results from a G to A substitution 5 nucleotides after coding exon 7 in the MSH3 gene. This nucleotide position is highly conserved in available vertebrate species. In silico splice site analysis for this alteration is inconclusive; however, direct evidence is insufficient at this time (Ambry internal data). Based on the available evidence, the clinical significance of this alteration remains unclear.

Labcorp Genetics (formerly Invitae), Labcorp
Classification: Uncertain significance. Last evaluated: 2023-03-17. Review status: criteria provided, single submitter. Criteria: Invitae Variant Classification Sherloc (09022015). Collection method: clinical testing. Allele origin: germline.
Comment: This sequence change falls in intron 7 of the MSH3 gene. It does not directly change the encoded amino acid sequence of the MSH3 protein. It affects a nucleotide within the consensus splice site. This variant is present in population databases (rs761726585, gnomAD 0.0009%). This variant has not been reported in the literature in individuals affected with MSH3-related conditions. ClinVar contains an entry for this variant (Variation ID: 1692655). Variants that disrupt the consensus splice site are a relatively common cause of aberrant splicing (PMID: 17576681, 9536098). Algorithms developed to predict the effect of sequence changes on RNA splicing suggest that this variant is not likely to affect RNA splicing. In summary, the available evidence is currently insufficient to determine the role of this variant in disease. Therefore, it has been classified as a Variant of Uncertain Significance.

Sema4
Classification: Uncertain significance for Hereditary cancer-predisposing syndrome. Last evaluated: 2021-09-09. Review status: criteria provided, single submitter. Criteria: Sema4 Curation Guidelines. Collection method: curation. Allele origin: germline.
Comment: The MSH3 c.1173+5G>A variant has not been reported in literature to our knowledge. This variant was observed in 1/113518 chromosomes in Non-Finnish European population according to the Genome Aggregation Database (PMID: 32461654). This variant has not been reported in ClinVar. In silico tools that predict the effect of sequence changes on splicing suggest that this variant may impact splicing though these predictions have not been confirmed by functional studies. The overall evidence is insufficient to meet ACMG/AMP criteria for classifying it as benign or pathogenic. In summary, the clinical significance of this variant is currently uncertain.

Literature cited by the submitters: PubMed 17576681 (cited by Labcorp Genetics (formerly Invitae), Labcorp); PubMed 9536098 (cited by Labcorp Genetics (formerly Invitae), Labcorp).